The following is an entry in ClinVar:

ClinVar aggregate classification (germline): Uncertain significance (1 of 4 stars; one submission).

Conditions:
Phelan-McDermid syndrome. Also called: 22q13.3 deletion syndrome; TELOMERIC 22q13 MONOSOMY SYNDROME; Phelan-McDermid Syndrome-SHANK3 Related. Identifiers: Orphanet 48652, MedGen C1853490, MONDO:0011652, OMIM 606232.

Submission:

Illumina Laboratory Services, Illumina
Classification: Uncertain significance for Phelan-McDermid syndrome. Last evaluated: 2020-01-27. Review status: criteria provided, single submitter. Criteria: ICSLVariantClassificationCriteria RUGD 01 April 2020. Collection method: clinical testing. Allele origin: unknown.
Comment: The SHANK3 c.2656C>T (p.Pro886Ser) variant is a missense variant. A literature search was performed for the gene, cDNA change, and amino acid change. No publications were found based on this search. This variant is not found in the Genome Aggregation Database; however, there is poor sequence coverage for exomes in this region. Based on the limited evidence, the p.Pro886Ser variant is classified as a variant of unknown significance for Phelan-McDermid syndrome.

NM_001372044.2(SHANK3):c.2881C>T (p.Gln961Ter)

Gene: SHANK3 (SH3 and multiple ankyrin repeat domains 3; plus strand). Cytogenetic location: 22q13.33.
Variant type: single nucleotide variant.
Coding change: c.2881C>T on transcript NM_001372044.2 (MANE Select); coding-DNA position 2881, C replaced by T.
Protein change: p.Gln961Ter; replaces glutamine 961 with a stop codon.
Molecular consequence: nonsense.
Genome position (GRCh38, 1-based): chr22:50,720,489, C>T. VCF-style: chr22-50720489-C-T. GRCh37 (hg19) VCF-style: chr22-51158917-C-T.
Other names: c.2656C>T (NM_033517.1); short protein forms Q961*.
Identifiers: ClinVar variation 873489 (VCV000873489.4), dbSNP rs2083274586, ClinGen allele CA515259415.